The following is an entry in ClinVar:

ClinVar aggregate classification (germline): Uncertain significance. Review status: criteria provided, multiple submitters, no conflicts (2 of 4 stars). 2 submissions from 2 submitters: Uncertain significance (2). Last evaluated 2026-01-19.

Conditions:
Inborn genetic diseases. Identifiers: MedGen C0950123, MeSH D030342.

gnomAD v4.1: 10 of 1,614,138 alleles (0.00062%); highest among the groups gnomAD compares: Non-Finnish European, 0.00076%; no homozygotes.

Submissions (2):

Labcorp Genetics (formerly Invitae), Labcorp
Classification: Uncertain significance. Last evaluated: 2026-01-19. Review status: criteria provided, single submitter. Criteria: Invitae Variant Classification Sherloc (09022015). Collection method: clinical testing. Allele origin: germline.
Comment: This sequence change replaces threonine, which is neutral and polar, with alanine, which is neutral and non-polar, at codon 688 of the JAK1 protein (p.Thr688Ala). This variant is present in population databases (no rsID available, gnomAD 0.002%). This variant has not been reported in the literature in individuals affected with JAK1-related conditions. ClinVar contains an entry for this variant (Variation ID: 3287136). An algorithm developed to predict the effect of missense changes on protein structure and function (PolyPhen-2) suggests that this variant is likely to be disruptive. In summary, the available evidence is currently insufficient to determine the role of this variant in disease. Therefore, it has been classified as a Variant of Uncertain Significance.

Ambry Genetics
Classification: Uncertain significance for Inborn genetic diseases. Last evaluated: 2024-06-19. Review status: criteria provided, single submitter. Criteria: Ambry Variant Classification Scheme 2023. Collection method: clinical testing. Allele origin: germline.

NM_002227.4(JAK1):c.2062A>G (p.Thr688Ala)

Gene: JAK1 (Janus kinase 1; minus strand). Cytogenetic location: 1p31.3.
Variant type: single nucleotide variant.
Coding change: c.2062A>G on transcript NM_002227.4 (MANE Select); coding-DNA position 2062, A replaced by G.
Protein change: p.Thr688Ala; replaces threonine 688 with alanine.
Molecular consequence: missense variant.
Genome position (GRCh38, 1-based): chr1:64,845,566, T>C on the plus strand (A>G on the coding strand, the complement: JAK1 is on the minus strand). VCF-style: chr1-64845566-T-C. GRCh37 (hg19) VCF-style: chr1-65311249-T-C.
Other names: c.2062A>G, p.Thr688Ala (NM_001320923.2, NM_001321852.2, NM_001321853.2 and 3 more transcripts); c.2059A>G, p.Thr687Ala (NM_001321857.2); short protein forms T687A, T688A.
Identifiers: ClinVar variation 3287136 (VCV003287136.2).
Genomic context (GRCh38, chr1:64,845,566, plus strand): 5'-TTCTCACCAAGTAGCTCAGGGCACTGGCCAGCTGTTTGGCAACTTTGAATTTCCATGGTG[T>C]GGTAAGGACATCGCTTTTCCGGTGCATGAAGAGATCCAGAGGACCCCCTTCCACAAACTC-3'
Protein context (NP_002218.2, residues 678-698): FMHRKSDVLT[Thr688Ala]PWKFKVAKQL